The following is an entry in ClinVar:

ClinVar aggregate classification (germline): Uncertain significance. Review status: criteria provided, multiple submitters, no conflicts (2 of 4 stars). 5 submissions from 5 submitters: Uncertain significance (5). Last evaluated 2025-10-07.

Allele frequency attached by ClinVar (database versions not stated): gnomAD exomes 0.00001 and 0.00002; TOPMed 0.00001; ExAC 0.00002.
gnomAD v4.1: 20 of 1,614,096 alleles (0.0012%); highest among the groups gnomAD compares: Admixed American, 0.0067%; no homozygotes.

Submissions (5):

Labcorp Genetics (formerly Invitae), Labcorp
Classification: Uncertain significance. Last evaluated: 2025-10-07. Review status: criteria provided, single submitter. Criteria: Invitae Variant Classification Sherloc (09022015). Collection method: clinical testing. Allele origin: germline.
Comment: This sequence change replaces arginine, which is basic and polar, with tryptophan, which is neutral and slightly polar, at codon 323 of the HK1 protein (p.Arg323Trp). This variant is present in population databases (rs770084986, gnomAD 0.01%). This variant has not been reported in the literature in individuals affected with HK1-related conditions. ClinVar contains an entry for this variant (Variation ID: 1428449). Invitae Evidence Modeling of protein sequence and biophysical properties (such as structural, functional, and spatial information, amino acid conservation, physicochemical variation, residue mobility, and thermodynamic stability) indicates that this missense variant is not expected to disrupt HK1 protein function with a negative predictive value of 80%. In summary, the available evidence is currently insufficient to determine the role of this variant in disease. Therefore, it has been classified as a Variant of Uncertain Significance.

Revvity Omics, Revvity
Classification: Uncertain significance. Last evaluated: 2024-02-15. Review status: criteria provided, single submitter. Criteria: ACMG Guidelines, 2015. Collection method: clinical testing. Allele origin: germline.

GeneDx
Classification: Uncertain significance. Last evaluated: 2023-10-24. Review status: criteria provided, single submitter. Criteria: GeneDx Variant Classification Process June 2021. Collection method: clinical testing. Allele origin: germline. Affected: yes.
Comment: In silico analysis supports that this missense variant has a deleterious effect on protein structure/function; Has not been previously published as pathogenic or benign to our knowledge

Mayo Clinic Laboratories, Mayo Clinic
Classification: Uncertain significance. Last evaluated: 2022-09-27. Review status: criteria provided, single submitter. Criteria: ACMG Guidelines, 2015. Collection method: clinical testing. Allele origin: germline. Observed: 1 variant allele.
Comment: PM2

CeGaT Center for Human Genetics Tuebingen
Classification: Uncertain significance. Last evaluated: 2022-03-01. Review status: criteria provided, single submitter. Criteria: CeGaT Center For Human Genetics Tuebingen Variant Classification Criteria Version 2. Collection method: clinical testing. Allele origin: germline. Affected: yes. Observed: 1 variant allele.

NM_000188.3(HK1):c.967C>T (p.Arg323Trp)

Gene: HK1 (hexokinase 1; plus strand). Cytogenetic location: 10q22.1.
Variant type: single nucleotide variant.
Coding change: c.967C>T on transcript NM_000188.3 (MANE Select); coding-DNA position 967, C replaced by T.
Protein change: p.Arg323Trp; replaces arginine 323 with tryptophan.
Molecular consequence: missense variant.
Genome position (GRCh38, 1-based): chr10:69,377,025, C>T. VCF-style: chr10-69377025-C-T. GRCh37 (hg19) VCF-style: chr10-71136781-C-T.
Other names: p.Arg322Trp; c.979C>T, p.Arg327Trp (NM_001322364.2, NM_001358263.1, NM_033497.3 and 1 more transcripts); c.1072C>T, p.Arg358Trp (NM_001322365.2); c.883C>T, p.Arg295Trp (NM_001322366.1); c.871C>T, p.Arg291Trp (NM_001322367.1); c.964C>T, p.Arg322Trp (NM_033496.3); c.931C>T, p.Arg311Trp (NM_033500.2); c.967C>T (NM_000188.2); and 1 more; short protein forms R358W, R295W, R323W, R327W, R291W, R311W, R322W.
Identifiers: ClinVar variation 1428449 (VCV001428449.42), dbSNP rs770084986, ClinGen allele CA5532462.